The following is an entry in ClinVar:

NM_002582.4(PARN):c.1838G>A (p.Arg613Lys)

Gene: PARN (poly(A)-specific ribonuclease; minus strand). Cytogenetic location: 16p13.12.
Variant type: single nucleotide variant.
Coding change: c.1838G>A on transcript NM_002582.4 (MANE Select); coding-DNA position 1838, G replaced by A.
Protein change: p.Arg613Lys; replaces arginine 613 with lysine.
Molecular consequence: missense variant.
Genome position (GRCh38, 1-based): chr16:14,446,914, C>T on the plus strand (G>A on the coding strand, the complement: PARN is on the minus strand). VCF-style: chr16-14446914-C-T. GRCh37 (hg19) VCF-style: chr16-14540771-C-T.
Other names: c.1655G>A, p.Arg552Lys (NM_001134477.3); c.1700G>A, p.Arg567Lys (NM_001242992.2); c.1838G>A (NM_002582.3); short protein forms R552K, R613K, R567K.
Identifiers: ClinVar variation 2932760 (VCV002932760.4), dbSNP rs1961224378, ClinGen allele CA395184259.

ClinVar aggregate classification (germline): Uncertain significance. Review status: criteria provided, multiple submitters, no conflicts (2 of 4 stars). 2 submissions from 2 submitters: Uncertain significance (2). Last evaluated 2026-03-18.

Conditions:
Pulmonary fibrosis and/or bone marrow failure, Telomere-related, 4. Also called: PULMONARY FIBROSIS AND/OR BONE MARROW FAILURE SYNDROME, TELOMERE-RELATED, 4. Identifiers: Orphanet 2032, MedGen C4225347, MONDO:0014612, OMIM 616371.
Dyskeratosis congenita, autosomal recessive 6 (DKCB6). Identifiers: MedGen C4225356, MONDO:0014600, OMIM 616353.
Inborn genetic diseases. Identifiers: MedGen C0950123, MeSH D030342.

Allele frequency attached by ClinVar (database versions not stated): gnomAD 0.00001; gnomAD exomes below 0.00001.
gnomAD v4.1: 3 of 1,613,064 alleles (0.00019%); highest among the groups gnomAD compares: African/African-American, 0.004%; no homozygotes.

Submissions (2):

Ambry Genetics
Classification: Uncertain significance for Inborn genetic diseases. Last evaluated: 2026-03-18. Review status: criteria provided, single submitter. Criteria: Ambry Variant Classification Scheme 2023. Collection method: clinical testing. Allele origin: germline.

Labcorp Genetics (formerly Invitae), Labcorp
Classification: Uncertain significance for Dyskeratosis congenita, autosomal recessive 6; Pulmonary fibrosis and/or bone marrow failure, Telomere-related, 4. Last evaluated: 2023-03-18. Review status: criteria provided, single submitter. Criteria: Invitae Variant Classification Sherloc (09022015). Collection method: clinical testing. Allele origin: germline.
Comment: In summary, the available evidence is currently insufficient to determine the role of this variant in disease. Therefore, it has been classified as a Variant of Uncertain Significance. Algorithms developed to predict the effect of missense changes on protein structure and function output the following: SIFT: "Not Available"; PolyPhen-2: "Benign"; Align-GVGD: "Not Available". The lysine amino acid residue is found in multiple mammalian species, which suggests that this missense change does not adversely affect protein function. This variant has not been reported in the literature in individuals affected with PARN-related conditions. This variant is not present in population databases (gnomAD no frequency). This sequence change replaces arginine, which is basic and polar, with lysine, which is basic and polar, at codon 613 of the PARN protein (p.Arg613Lys).